The following is an entry in ClinVar:

ClinVar aggregate classification (germline): Uncertain significance (1 of 4 stars; one submission).

Submission:

GeneDx
Classification: Uncertain significance. Last evaluated: 2024-06-07. Review status: criteria provided, single submitter. Criteria: GeneDx Variant Classification Process June 2021. Collection method: clinical testing. Allele origin: germline. Affected: yes.
Comment: Has not been previously published as pathogenic or benign to our knowledge; Not observed at significant frequency in large population cohorts (gnomAD); In silico analysis supports that this missense variant has a deleterious effect on protein structure/function

NM_001385012.1(NBEA):c.4763A>G (p.Glu1588Gly)

Gene: NBEA (neurobeachin; plus strand). Cytogenetic location: 13q13.3.
Variant type: single nucleotide variant.
Coding change: c.4763A>G on transcript NM_001385012.1 (MANE Select); coding-DNA position 4763, A replaced by G.
Protein change: p.Glu1588Gly; replaces glutamic acid 1588 with glycine.
Molecular consequence: missense variant.
Genome position (GRCh38, 1-based): chr13:35,182,460, A>G. VCF-style: chr13-35182460-A-G. GRCh37 (hg19) VCF-style: chr13-35756597-A-G.
Other names: c.4754A>G, p.Glu1585Gly (NM_001379245.1); c.4763A>G, p.Glu1588Gly (NM_015678.5); short protein forms E1585G, E1588G.
Identifiers: ClinVar variation 3384368 (VCV003384368.1).